The following is an entry in ClinVar:

NM_001097577.3(ANG):c.349C>G (p.Gln117Glu)

Genes: ANG (angiogenin; plus strand), EGILA (EGFR interacting lncRNA; minus strand), RNASE4 (ribonuclease A family member 4; plus strand). Cytogenetic location: 14q11.2.
Variant type: single nucleotide variant.
Coding change: c.349C>G on transcript NM_001097577.3 (MANE Select); coding-DNA position 349, C replaced by G.
Protein change: p.Gln117Glu; replaces glutamine 117 with glutamic acid.
Molecular consequence: missense variant. On other transcripts: intron variant (4).
Genome position (GRCh38, 1-based): chr14:20,693,913, C>G. VCF-style: chr14-20693913-C-G. GRCh37 (hg19) VCF-style: chr14-21162072-C-G.
Other names: c.349C>G, p.Gln117Glu (NM_001385274.1, NM_001145.4, NM_001385271.1 and 2 more transcripts); c.-18+263C>G (NM_001282192.2); c.-17-5442C>G (NM_002937.5, NM_001282193.2); c.-18+5039C>G (NM_194431.3); short protein forms Q117E.
Identifiers: ClinVar variation 4724041 (VCV004724041.1).
Genomic context (GRCh38, chr14:20,693,913, plus strand): 5'-AAGTCTTCTTTCCAGGTCACCACTTGCAAGCTACATGGAGGTTCCCCCTGGCCTCCATGC[C>G]AGTACCGAGCCACAGCGGGGTTCAGAAACGTTGTTGTTGCTTGTGAAAATGGCTTACCTG-3'
Protein context (NP_001091046.1, residues 107-127): LHGGSPWPPC[Gln117Glu]YRATAGFRNV

ClinVar aggregate classification (germline): Uncertain significance (1 of 4 stars; one submission).

Submission:

Labcorp Genetics (formerly Invitae), Labcorp
Classification: Uncertain significance. Last evaluated: 2025-12-19. Review status: criteria provided, single submitter. Criteria: Invitae Variant Classification Sherloc (09022015). Collection method: clinical testing. Allele origin: germline.
Comment: This sequence change replaces glutamine, which is neutral and polar, with glutamic acid, which is acidic and polar, at codon 117 of the ANG protein (p.Gln117Glu). This variant is not present in population databases (gnomAD no frequency). This variant has not been reported in the literature in individuals affected with ANG-related conditions. An algorithm developed to predict the effect of missense changes on protein structure and function (PolyPhen-2) suggests that this variant is likely to be tolerated. In summary, the available evidence is currently insufficient to determine the role of this variant in disease. Therefore, it has been classified as a Variant of Uncertain Significance.